The following is an entry in ClinVar:

ClinVar aggregate classification (germline): Uncertain significance (1 of 4 stars; one submission).

Submission:

GeneDx
Classification: Uncertain significance. Last evaluated: 2020-01-07. Review status: criteria provided, single submitter. Criteria: GeneDx Variant Classification Process June 2021. Collection method: clinical testing. Allele origin: germline. Affected: yes.
Comment: Not observed in large population cohorts (Lek et al., 2016); In silico analysis, which includes protein predictors and evolutionary conservation, supports a deleterious effect; Has not been previously published as pathogenic or benign to our knowledge

NM_001379110.1(SLC9A6):c.921G>C (p.Leu307Phe)

Gene: SLC9A6 (solute carrier family 9 member A6; plus strand). Cytogenetic location: Xq26.3.
Variant type: single nucleotide variant.
Coding change: c.921G>C on transcript NM_001379110.1 (MANE Select); coding-DNA position 921, G replaced by C.
Protein change: p.Leu307Phe; replaces leucine 307 with phenylalanine.
Molecular consequence: missense variant.
Genome position (GRCh38, 1-based): chrX:136,012,984, G>C. VCF-style: chrX-136012984-G-C. GRCh37 (hg19) VCF-style: chrX-135095143-G-C.
Other names: c.1077G>C, p.Leu359Phe (NM_001042537.2); c.921G>C, p.Leu307Phe (NM_001177651.2); c.825G>C, p.Leu275Phe (NM_001330652.2); c.981G>C, p.Leu327Phe (NM_006359.3); short protein forms L359F, L275F, L307F, L327F.
Identifiers: ClinVar variation 1311956 (VCV001311956.2), dbSNP rs1556618846, ClinGen allele CA414751616.